The following is an entry in ClinVar:

ClinVar aggregate classification (germline): Likely benign (1 of 4 stars; one submission).

Conditions:
AFF4-related disorder. Also called: AFF4-related condition.

gnomAD v4.1: 2 of 1,613,534 alleles (0.00012%); highest among the groups gnomAD compares: Admixed American, 0.0017%; no homozygotes.

Submission:

PreventionGenetics, part of Exact Sciences
Classification: Likely benign for AFF4-related condition. Last evaluated: 2025-10-23. Review status: criteria provided, single submitter. Criteria: ACMG Guidelines, 2015. Collection method: clinical testing. Allele origin: germline.
Comment: This variant is classified as likely benign based on ACMG/AMP sequence variant interpretation guidelines (Richards et al. 2015 PMID: 25741868, with internal and published modifications).

NM_014423.4(AFF4):c.2428G>T (p.Asp810Tyr)

Gene: AFF4 (ALF transcription elongation factor 4; minus strand). Cytogenetic location: 5q31.1.
Variant type: single nucleotide variant.
Coding change: c.2428G>T on transcript NM_014423.4 (MANE Select); coding-DNA position 2428, G replaced by T.
Protein change: p.Asp810Tyr; replaces aspartic acid 810 with tyrosine.
Molecular consequence: missense variant.
Genome position (GRCh38, 1-based): chr5:132,892,373, C>A on the plus strand (G>T on the coding strand, the complement: AFF4 is on the minus strand). VCF-style: chr5-132892373-C-A. GRCh37 (hg19) VCF-style: chr5-132228065-C-A.
Other names: short protein forms D810Y.
Identifiers: ClinVar variation 3357453 (VCV003357453.2).
Genomic context (GRCh38, chr5:132,892,373, plus strand): 5'-AGCCATGCTCTGTTTTTGGATCTTTTGAAGGAACAGGCCCAGCGGGAGAAGGCAACAAAT[C>A]CTTTTCTTTTGCAGCACTCTGCTTAGATGACCTGCCAAACCAAACGAATGCCTTCATTTC-3'
Protein context (NP_055238.1, residues 800-820): SSKQSAAKEK[Asp810Tyr]LLPSPAGPVP